The following is an entry in ClinVar:

NM_001370259.2(MEN1):c.42del (p.Ser15fs)

Gene: MEN1 (menin 1; minus strand). Cytogenetic location: 11q13.1.
Variant type: Deletion.
Coding change: c.42del on transcript NM_001370259.2 (MANE Select); coding-DNA position 42, one base deleted (C; older notation c.42delC).
Protein change: p.Ser15fs; shifts the reading frame from serine 15.
Molecular consequence: frameshift variant. On other transcripts: non-coding transcript variant (4).
Genome position (GRCh38, 1-based): chr11:64,810,068, G deleted on the plus strand (C on the coding strand, the reverse complement: MEN1 is on the minus strand). VCF-style (leftmost placement, unchanged base first): chr11-64810067-AG-A. GRCh37 (hg19) VCF-style: chr11-64577539-AG-A.
Other names: c.42del, p.Ser15fs (NM_000244.4, NM_001370251.2, NM_001370260.2 and 20 more transcripts); short protein forms S15fs.
Identifiers: ClinVar variation 3394960 (VCV003394960.1).

ClinVar aggregate classification (germline): Pathogenic (1 of 4 stars; one submission).

Conditions:
Hereditary cancer-predisposing syndrome. Also called: Hereditary Cancer Syndrome; Tumor predisposition; Hereditary neoplastic syndrome; Neoplastic Syndromes, Hereditary. Identifiers: Orphanet 140162, MedGen C0027672, MeSH D009386, MONDO:0015356.

Submission:

Ambry Genetics
Classification: Pathogenic for Hereditary cancer-predisposing syndrome. Last evaluated: 2024-09-04. Review status: criteria provided, single submitter. Criteria: Ambry Variant Classification Scheme 2023. Collection method: clinical testing. Allele origin: germline.
Comment: The c.42delC pathogenic mutation, located in coding exon 1 of the MEN1 gene, results from a deletion of one nucleotide at nucleotide position 42, causing a translational frameshift with a predicted alternate stop codon (p.S15Pfs*104). This variant is considered to be rare based on population cohorts in the Genome Aggregation Database (gnomAD). This alteration is expected to result in loss of function by premature protein truncation or nonsense-mediated mRNA decay. As such, this alteration is interpreted as a disease-causing mutation.